The following is an entry in ClinVar:

NM_001199097.2(BAIAP3):c.1091G>C (p.Gly364Ala)

Gene: BAIAP3 (BAI1 associated protein 3; plus strand). Cytogenetic location: 16p13.3.
Variant type: single nucleotide variant.
Coding change: c.1091G>C on transcript NM_001199097.2 (MANE Select); coding-DNA position 1091, G replaced by C.
Protein change: p.Gly364Ala; replaces glycine 364 with alanine.
Molecular consequence: missense variant.
Genome position (GRCh38, 1-based): chr16:1,342,744, G>C. VCF-style: chr16-1342744-G-C. GRCh37 (hg19) VCF-style: chr16-1392745-G-C.
Other names: c.983G>C, p.Gly328Ala (NM_001199096.2); c.1022G>C, p.Gly341Ala (NM_001199098.2); c.1007G>C, p.Gly336Ala (NM_001199099.2); c.1142G>C, p.Gly381Ala (NM_001286464.2); c.1196G>C, p.Gly399Ala (NM_003933.5); short protein forms G328A, G336A, G341A, G364A, G381A, G399A.
Identifiers: ClinVar variation 2645892 (VCV002645892.24), dbSNP rs34598300, ClinGen allele CA7805774.

ClinVar aggregate classification (germline): Benign (1 of 4 stars; one submission).

Allele frequency attached by ClinVar (database versions not stated): 1000 Genomes Project 30x 0.00078; 1000 Genomes Project 0.00100; TOPMed 0.00146; ExAC 0.00151; gnomAD 0.00169; ESP Exome Variant Server 0.00200; gnomAD exomes 0.00210.
gnomAD v4.1: 3,263 of 1,612,498 alleles (0.2%); highest among the groups gnomAD compares: Non-Finnish European, 0.24%; 6 homozygotes.

Submission:

CeGaT Center for Human Genetics Tuebingen
Classification: Benign. Last evaluated: 2022-10-01. Review status: criteria provided, single submitter. Criteria: CeGaT Center For Human Genetics Tuebingen Variant Classification Criteria Version 2. Collection method: clinical testing. Allele origin: germline. Affected: yes. Observed: 2 variant alleles.
Comment: BAIAP3: BS1, BS2